The following is an entry in ClinVar:

ClinVar aggregate classification (germline): Likely benign. Review status: criteria provided, single submitter (1 of 4 stars). 2 submissions from 2 submitters: Likely benign (1). 1 of the submissions does not count toward it. Last evaluated 2026-01-19.

Conditions:
FAT4-related disorder. Also called: FAT4-related condition.

Allele frequency attached by ClinVar (database versions not stated): TOPMed 0.00009; gnomAD 0.00010 and 0.00014; ExAC 0.00014; gnomAD exomes 0.00014; 1000 Genomes Project 30x 0.00031; 1000 Genomes Project 0.00040.
gnomAD v4.1: 326 of 1,612,850 alleles (0.02%); highest among the groups gnomAD compares: East Asian, 0.61%; 3 homozygotes.

Submissions (2):

Labcorp Genetics (formerly Invitae), Labcorp
Classification: Likely benign. Last evaluated: 2026-01-19. Review status: criteria provided, single submitter. Criteria: Invitae Variant Classification Sherloc (09022015). Collection method: clinical testing. Allele origin: germline.

PreventionGenetics, part of Exact Sciences
Classification: Likely benign for FAT4-related condition. Last evaluated: 2020-07-01. Review status: no assertion criteria provided. Collection method: clinical testing. Allele origin: germline. Not counted in ClinVar's aggregate classification.
Comment: This variant is classified as likely benign based on ACMG/AMP sequence variant interpretation guidelines (Richards et al. 2015 PMID: 25741868, with internal and published modifications).

NM_001291303.3(FAT4):c.7266C>T (p.Ser2422=)

Gene: FAT4 (FAT atypical cadherin 4; plus strand). Cytogenetic location: 4q28.1.
Variant type: single nucleotide variant.
Coding change: c.7266C>T on transcript NM_001291303.3 (MANE Select); coding-DNA position 7266, C replaced by T.
Protein change: p.Ser2422=; no amino-acid change (serine 2422 retained).
Molecular consequence: synonymous variant.
Genome position (GRCh38, 1-based): chr4:125,446,359, C>T. VCF-style: chr4-125446359-C-T. GRCh37 (hg19) VCF-style: chr4-126367514-C-T.
Other names: c.7266C>T, p.Ser2422= (NM_001291285.3); c.7260C>T, p.Ser2420= (NM_024582.6).
Identifiers: ClinVar variation 725748 (VCV000725748.10), dbSNP rs147010455, ClinGen allele CA3073153.
Genomic context (GRCh38, chr4:125,446,359, plus strand): 5'-GATCATCGGTGGAAACTCTCAGTTCACGATCAACCCATCGACAGGACAAATCATCACCAG[C>T]GCATTGTTAGATAGGGAAACAAAAGATAATTATACTTTGGTAGTGGTCTGCAGTGATGCG-3'
Protein context (NP_001278232.1, residues 2412-2432): INPSTGQIIT[Ser2422=]ALLDRETKDN